The following is an entry in ClinVar:

ClinVar aggregate classification (germline): Pathogenic (1 of 4 stars; one submission).

Conditions:
LDB1-related disorder.

Submission:

Greenwood Genetic Center Diagnostic Laboratories, Greenwood Genetic Center
Classification: Pathogenic for LDB1-related disorder. Last evaluated: 2026-04-27. Review status: criteria provided, single submitter. Criteria: ACMG Guidelines, 2015. Collection method: clinical testing. Allele origin: germline. Affected: yes.
Comment: PS2, PM2, PP3_Strong

NM_001113407.3(LDB1):c.733-1G>T

Gene: LDB1 (LIM domain binding 1; minus strand). Cytogenetic location: 10q24.32.
Variant type: single nucleotide variant.
Coding change: c.733-1G>T on transcript NM_001113407.3 (MANE Select); the canonical splice acceptor site of the intron before coding-DNA position 733, G replaced by T.
Molecular consequence: splice acceptor variant.
Genome position (GRCh38, 1-based): chr10:102,109,508, C>A on the plus strand (G>T on the coding strand, the complement: LDB1 is on the minus strand). VCF-style: chr10-102109508-C-A. GRCh37 (hg19) VCF-style: chr10-103869265-C-A.
Other names: c.733-1G>T (NM_001321612.2); c.625-1G>T (NM_003893.5).
Identifiers: ClinVar variation 4891034 (VCV004891034.1).